The following is an entry in ClinVar:

ClinVar aggregate classification (germline): Uncertain significance. Review status: criteria provided, multiple submitters, no conflicts (2 of 4 stars). 2 submissions from 2 submitters: Uncertain significance (2). Last evaluated 2025-05-18.

Conditions:
Inborn genetic diseases. Identifiers: MedGen C0950123, MeSH D030342.

Allele frequency attached by ClinVar (database versions not stated): gnomAD 0.00001; 1000 Genomes Project 30x 0.00016; 1000 Genomes Project 0.00020; ExAC 0.00001; TOPMed 0.00007; gnomAD exomes 0.00001.
gnomAD v4.1: 20 of 1,614,012 alleles (0.0012%); highest among the groups gnomAD compares: Admixed American, 0.0017%; no homozygotes.

Submissions (2):

Labcorp Genetics (formerly Invitae), Labcorp
Classification: Uncertain significance. Last evaluated: 2025-05-18. Review status: criteria provided, single submitter. Criteria: Invitae Variant Classification Sherloc (09022015). Collection method: clinical testing. Allele origin: germline.
Comment: This sequence change replaces glycine, which is neutral and non-polar, with arginine, which is basic and polar, at codon 1062 of the LAMB1 protein (p.Gly1062Arg). This variant is present in population databases (rs200975122, gnomAD 0.007%). This variant has not been reported in the literature in individuals affected with LAMB1-related conditions. ClinVar contains an entry for this variant (Variation ID: 2918991). An algorithm developed to predict the effect of missense changes on protein structure and function (PolyPhen-2) suggests that this variant is likely to be disruptive. In summary, the available evidence is currently insufficient to determine the role of this variant in disease. Therefore, it has been classified as a Variant of Uncertain Significance.

Ambry Genetics
Classification: Uncertain significance for Inborn genetic diseases. Last evaluated: 2024-04-09. Review status: criteria provided, single submitter. Criteria: Ambry Variant Classification Scheme 2023. Collection method: clinical testing. Allele origin: germline.

NM_002291.3(LAMB1):c.3184G>A (p.Gly1062Arg)

Gene: LAMB1 (laminin subunit beta 1; minus strand). Cytogenetic location: 7q31.1.
Variant type: single nucleotide variant.
Coding change: c.3184G>A on transcript NM_002291.3 (MANE Select); coding-DNA position 3184, G replaced by A.
Protein change: p.Gly1062Arg; replaces glycine 1062 with arginine.
Molecular consequence: missense variant.
Genome position (GRCh38, 1-based): chr7:107,952,119, C>T on the plus strand (G>A on the coding strand, the complement: LAMB1 is on the minus strand). VCF-style: chr7-107952119-C-T. GRCh37 (hg19) VCF-style: chr7-107592564-C-T.
Other names: c.3184G>A (NM_002291.2); short protein forms G1062R.
Identifiers: ClinVar variation 2918991 (VCV002918991.4), dbSNP rs200975122, ClinGen allele CA4435409.